The following is an entry in ClinVar:

ClinVar aggregate classification (germline): Pathogenic (1 of 4 stars; one submission).

Conditions:
Alstrom syndrome (ALMS). Identifiers: Orphanet 64, MedGen C0268425, MONDO:0008763, OMIM 203800.

gnomAD v4.1: 1 of 1,613,842 alleles (0.000062%); highest among the groups gnomAD compares: Non-Finnish European, 0.000085%; no homozygotes.

Submission:

Labcorp Genetics (formerly Invitae), Labcorp
Classification: Pathogenic for Alstrom syndrome. Last evaluated: 2023-06-14. Review status: criteria provided, single submitter. Criteria: Invitae Variant Classification Sherloc (09022015). Collection method: clinical testing. Allele origin: germline.
Comment: This sequence change creates a premature translational stop signal (p.Ser2357*) in the ALMS1 gene. It is expected to result in an absent or disrupted protein product. Loss-of-function variants in ALMS1 are known to be pathogenic (PMID: 17594715). This variant is not present in population databases (gnomAD no frequency). This variant has not been reported in the literature in individuals affected with ALMS1-related conditions. ClinVar contains an entry for this variant (Variation ID: 2021666). For these reasons, this variant has been classified as Pathogenic.

Literature cited by the submitters: PubMed 17594715.

NM_001378454.1(ALMS1):c.7067C>A (p.Ser2356Ter)

Gene: ALMS1 (ALMS1 centrosome and basal body associated protein; plus strand). Cytogenetic location: 2p13.1.
Variant type: single nucleotide variant.
Coding change: c.7067C>A on transcript NM_001378454.1 (MANE Select); coding-DNA position 7067, C replaced by A.
Protein change: p.Ser2356Ter; replaces serine 2356 with a stop codon.
Molecular consequence: nonsense.
Genome position (GRCh38, 1-based): chr2:73,453,594, C>A. VCF-style: chr2-73453594-C-A. GRCh37 (hg19) VCF-style: chr2-73680721-C-A.
Other names: c.7070C>A, p.Ser2357Ter (NM_015120.4); short protein forms S2356*, S2357*.
Identifiers: ClinVar variation 2021666 (VCV002021666.4), dbSNP rs757852651, ClinGen allele CA347290809.
Genomic context (GRCh38, chr2:73,453,594, plus strand): 5'-TTGGCACACAGACGAATTTGAAATGCCGGAGAGGCATTGAAAATTGGGAGTTTATTAGTT[C>A]AACTACAGTTAGAAGTCCTCTACAGGAAGCAGAGAGCAAAGTCAGTATGGCATTAGAAGA-3'